The following is an entry in ClinVar:

NM_000179.3(MSH6):c.2426T>C (p.Val809Ala)

Gene: MSH6 (mutS homolog 6; plus strand). Cytogenetic location: 2p16.3.
Variant type: single nucleotide variant.
Coding change: c.2426T>C on transcript NM_000179.3 (MANE Select); coding-DNA position 2426, T replaced by C.
Protein change: p.Val809Ala; replaces valine 809 with alanine.
Molecular consequence: missense variant.
Genome position (GRCh38, 1-based): chr2:47,800,409, T>C. VCF-style: chr2-47800409-T-C. GRCh37 (hg19) VCF-style: chr2-48027548-T-C.
Other names: c.2036T>C, p.Val679Ala (NM_001281492.2); c.1520T>C, p.Val507Ala (NM_001281493.2, NM_001281494.2); short protein forms V507A, V679A, V809A.
Identifiers: ClinVar variation 655766 (VCV000655766.13), dbSNP rs775815297, ClinGen allele CA069038.

ClinVar aggregate classification (germline): Conflicting classifications of pathogenicity. Review status: criteria provided, conflicting classifications (1 of 4 stars). 4 submissions from 4 submitters: Uncertain significance (2); Likely benign (2). Last evaluated 2024-06-23.

Conditions:
Hereditary nonpolyposis colorectal neoplasms. Identifiers: MedGen C0009405, MeSH D003123.
Lynch syndrome 5 (LYNCH5). Also called: Hereditary non-polyposis colorectal cancer, type 5; Colorectal cancer, hereditary nonpolyposis, type 5. Identifiers: Orphanet 144, MedGen C1833477, MONDO:0013710, OMIM 614350. Disease mechanism: loss of function.
Hereditary cancer-predisposing syndrome. Also called: Hereditary neoplastic syndrome; Tumor predisposition; Neoplastic Syndromes, Hereditary; Hereditary Cancer Syndrome. Identifiers: Orphanet 140162, MedGen C0027672, MeSH D009386, MONDO:0015356.

Allele frequency attached by ClinVar (database versions not stated): gnomAD exomes below 0.00001; TOPMed below 0.00001; ExAC 0.00001.

Submissions (4):

Labcorp Genetics (formerly Invitae), Labcorp
Classification: Likely benign for Hereditary nonpolyposis colorectal neoplasms. Last evaluated: 2024-06-23. Review status: criteria provided, single submitter. Criteria: Invitae Variant Classification Sherloc (09022015). Collection method: clinical testing. Allele origin: germline.

Color Diagnostics, LLC DBA Color Health
Classification: Uncertain significance for Hereditary cancer-predisposing syndrome. Last evaluated: 2024-03-05. Review status: criteria provided, single submitter. Criteria: ACMG Guidelines, 2015. Collection method: clinical testing. Allele origin: germline.
Comment: This missense variant replaces valine with alanine at codon 809 of the MSH6 protein. Computational prediction suggests that this variant may not impact protein structure and function (internally defined REVEL score threshold <= 0.5, PMID: 27666373). To our knowledge, functional studies have not been reported for this variant. This variant has not been reported in individuals affected with MSH6-related disorders in the literature. This variant has been identified in 1/250328 chromosomes in the general population by the Genome Aggregation Database (gnomAD). The available evidence is insufficient to determine the role of this variant in disease conclusively. Therefore, this variant is classified as a Variant of Uncertain Significance.

Ambry Genetics
Classification: Likely benign for Hereditary cancer-predisposing syndrome. Last evaluated: 2024-01-09. Review status: criteria provided, single submitter. Criteria: Ambry Variant Classification Scheme 2023. Collection method: clinical testing. Allele origin: germline.

Division of Medical Genetics, University of Washington
Classification: Uncertain significance for Lynch syndrome 5. Last evaluated: 2020-01-31. Review status: criteria provided, single submitter. Criteria: ACMG Guidelines, 2015. Collection method: clinical testing. Allele origin: germline. Affected: no. Study: CSER_CHARM.
Comment: To our knowledge, this sequence variant has not been previously reported in the literature. This variant has an overall allele frequency of 0.000004 in the Broad Institute gnomAD Browser. In silico analyses indicate that this variant does not alter protein structure/function. Thus, it is unknown at this time whether this variant increases cancer risk. PM2; BP4